The following is an entry in ClinVar:

ClinVar aggregate classification (germline): Uncertain significance (1 of 4 stars; one submission).

Conditions:
Charcot-Marie-Tooth disease type 2. Also called: Charcot-Marie-Tooth type 2. Identifiers: Orphanet 64746, MedGen C0270914, MONDO:0018993.

Submission:

Labcorp Genetics (formerly Invitae), Labcorp
Classification: Uncertain significance for Charcot-Marie-Tooth disease type 2. Last evaluated: 2023-08-07. Review status: criteria provided, single submitter. Criteria: Invitae Variant Classification Sherloc (09022015). Collection method: clinical testing. Allele origin: germline.
Comment: In summary, the available evidence is currently insufficient to determine the role of this variant in disease. Therefore, it has been classified as a Variant of Uncertain Significance. Advanced modeling of protein sequence and biophysical properties (such as structural, functional, and spatial information, amino acid conservation, physicochemical variation, residue mobility, and thermodynamic stability) performed at Invitae indicates that this missense variant is not expected to disrupt AARS protein function. This variant has not been reported in the literature in individuals affected with AARS-related conditions. This variant is not present in population databases (gnomAD no frequency). This sequence change replaces alanine, which is neutral and non-polar, with serine, which is neutral and polar, at codon 940 of the AARS protein (p.Ala940Ser).

NM_001605.3(AARS1):c.2818G>T (p.Ala940Ser)

Gene: AARS1 (alanyl-tRNA synthetase 1; minus strand). Cytogenetic location: 16q22.1.
Variant type: single nucleotide variant.
Coding change: c.2818G>T on transcript NM_001605.3 (MANE Select); coding-DNA position 2818, G replaced by T.
Protein change: p.Ala940Ser; replaces alanine 940 with serine.
Molecular consequence: missense variant.
Genome position (GRCh38, 1-based): chr16:70,252,810, C>A on the plus strand (G>T on the coding strand, the complement: AARS1 is on the minus strand). VCF-style: chr16-70252810-C-A. GRCh37 (hg19) VCF-style: chr16-70286713-C-A.
Other names: short protein forms A940S.
Identifiers: ClinVar variation 2751141 (VCV002751141.3), dbSNP rs2506986695, ClinGen allele CA396554361.